The following is an entry in ClinVar:

ClinVar aggregate classification (germline): Conflicting classifications of pathogenicity. Review status: criteria provided, conflicting classifications (1 of 4 stars). 2 submissions from 2 submitters: Uncertain significance (1); Likely benign (1). Last evaluated 2025-03-07.

Conditions:
Mitochondrial complex II deficiency, nuclear type 1. Also called: SUCCINATE CoQ REDUCTASE DEFICIENCY. Identifiers: Orphanet 3208, MedGen C5700310, MONDO:0100294, OMIM 252011.
Pheochromocytoma/paraganglioma syndrome 5. Also called: Paragangliomas 5; SDHA-Related Hereditary Paraganglioma-Pheochromocytoma Syndrome. Identifiers: Orphanet 29072, MedGen C3279992, MONDO:0013602, OMIM 614165.

Allele frequency attached by ClinVar (database versions not stated): gnomAD exomes below 0.00001; TOPMed below 0.00001; gnomAD 0.00001.
gnomAD v4.1: 3 of 1,613,470 alleles (0.00019%); highest among the groups gnomAD compares: African/African-American, 0.0013%; no homozygotes.

Submissions (2):

Myriad Genetics, Inc.
Classification: Likely benign for Pheochromocytoma/paraganglioma syndrome 5. Last evaluated: 2025-03-07. Review status: criteria provided, single submitter. Criteria: Myriad Autosomal Dominant, Autosomal Recessive and X-Linked Classification Criteria (2023). Collection method: clinical testing. Allele origin: unknown.
Comment: This variant is considered likely benign. This variant is intronic and is not expected to impact mRNA splicing.

Labcorp Genetics (formerly Invitae), Labcorp
Classification: Uncertain significance for Pheochromocytoma/paraganglioma syndrome 5; Mitochondrial complex II deficiency, nuclear type 1. Last evaluated: 2024-02-23. Review status: criteria provided, single submitter. Criteria: Invitae Variant Classification Sherloc (09022015). Collection method: clinical testing. Allele origin: germline.
Comment: This sequence change falls in intron 8 of the SDHA gene. It does not directly change the encoded amino acid sequence of the SDHA protein. This variant is not present in population databases (gnomAD no frequency). This variant has not been reported in the literature in individuals affected with SDHA-related conditions. Algorithms developed to predict the effect of sequence changes on RNA splicing suggest that this variant may create or strengthen a splice site. In summary, the available evidence is currently insufficient to determine the role of this variant in disease. Therefore, it has been classified as a Variant of Uncertain Significance.

NM_004168.4(SDHA):c.1065-13T>C

Gene: SDHA (succinate dehydrogenase complex flavoprotein subunit A; plus strand). Cytogenetic location: 5p15.33.
Variant type: single nucleotide variant.
Coding change: c.1065-13T>C on transcript NM_004168.4 (MANE Select); 13 bases into the intron before coding-DNA position 1065, T replaced by C.
Molecular consequence: intron variant.
Genome position (GRCh38, 1-based): chr5:235,131, T>C. VCF-style: chr5-235131-T-C. GRCh37 (hg19) VCF-style: chr5-235246-T-C.
Other names: c.1065-13T>C (NM_001330758.2); c.921-13T>C (NM_001294332.2).
Identifiers: ClinVar variation 2933826 (VCV002933826.4), dbSNP rs1364581133, ClinGen allele CA808915489.